The following is an entry in ClinVar:

ClinVar aggregate classification (germline): Uncertain significance (1 of 4 stars; one submission).

Allele frequency attached by ClinVar (database versions not stated): gnomAD exomes 0.00001; ExAC 0.00004.
gnomAD v4.1: 23 of 1,612,604 alleles (0.0014%); highest among the groups gnomAD compares: South Asian, 0.022%; no homozygotes.

Submission:

Labcorp Genetics (formerly Invitae), Labcorp
Classification: Uncertain significance. Last evaluated: 2022-04-01. Review status: criteria provided, single submitter. Criteria: Invitae Variant Classification Sherloc (09022015). Collection method: clinical testing. Allele origin: germline.
Comment: In summary, the available evidence is currently insufficient to determine the role of this variant in disease. Therefore, it has been classified as a Variant of Uncertain Significance. Algorithms developed to predict the effect of missense changes on protein structure and function are either unavailable or do not agree on the potential impact of this missense change (SIFT: "Tolerated"; PolyPhen-2: "Possibly Damaging"; Align-GVGD: "Class C0"). This variant has not been reported in the literature in individuals affected with GRXCR1-related conditions. This variant is present in population databases (rs776474443, gnomAD 0.03%). This sequence change replaces glutamic acid, which is acidic and polar, with glutamine, which is neutral and polar, at codon 135 of the GRXCR1 protein (p.Glu135Gln).

NM_001080476.3(GRXCR1):c.403G>C (p.Glu135Gln)

Gene: GRXCR1 (glutaredoxin and cysteine rich domain containing 1; plus strand). Cytogenetic location: 4p13.
Variant type: single nucleotide variant.
Coding change: c.403G>C on transcript NM_001080476.3 (MANE Select); coding-DNA position 403, G replaced by C.
Protein change: p.Glu135Gln; replaces glutamic acid 135 with glutamine.
Molecular consequence: missense variant.
Genome position (GRCh38, 1-based): chr4:42,962,910, G>C. VCF-style: chr4-42962910-G-C. GRCh37 (hg19) VCF-style: chr4-42964927-G-C.
Other names: short protein forms E135Q.
Identifiers: ClinVar variation 1946063 (VCV001946063.5), dbSNP rs776474443, ClinGen allele CA2904396.
Genomic context (GRCh38, chr4:42,962,910, plus strand): 5'-AGTAAAAGCAAACATTCTTACAACTCAATGTTTTCCCTTCAGCAACCATCAACTGATCTA[G>C]AATTTGACCGTGTAGTGATTTATACCACCTGCCTTCGTGTGGTCCGGACAACCTTTGAAA-3'
Protein context (NP_001073945.1, residues 125-145): KVLQQPSTDL[Glu135Gln]FDRVVIYTTC